The following is an entry in ClinVar:

NM_152783.5(D2HGDH):c.290G>A (p.Arg97Gln)

Genes: D2HGDH (D-2-hydroxyglutarate dehydrogenase; plus strand), LOC129936033 (ATAC-STARR-seq lymphoblastoid active region 17430; plus strand). Cytogenetic location: 2q37.3.
Variant type: single nucleotide variant.
Coding change: c.290G>A on transcript NM_152783.5 (MANE Select); coding-DNA position 290, G replaced by A.
Protein change: p.Arg97Gln; replaces arginine 97 with glutamine.
Molecular consequence: missense variant. On other transcripts: 5 prime UTR variant (1), non-coding transcript variant (1), intron variant (1).
Genome position (GRCh38, 1-based): chr2:241,735,514, G>A. VCF-style: chr2-241735514-G-A. GRCh37 (hg19) VCF-style: chr2-242674929-G-A.
Other names: c.-255G>A (NM_001352824.2); c.-111+819G>A (NM_001287249.2); c.290G>A (NM_152783.3); short protein forms R97Q.
Identifiers: ClinVar variation 1359059 (VCV001359059.7), dbSNP rs1692514824, ClinGen allele CA351405259.

ClinVar aggregate classification (germline): Uncertain significance. Review status: criteria provided, multiple submitters, no conflicts (2 of 4 stars). 2 submissions from 2 submitters: Uncertain significance (2). Last evaluated 2024-04-15.

Conditions:
Inborn genetic diseases. Identifiers: MedGen C0950123, MeSH D030342.
D-2-hydroxyglutaric aciduria 1 (D2HGA1). Identifiers: Orphanet 79315, MedGen C3152055, MONDO:0024554, OMIM 600721.

Allele frequency attached by ClinVar (database versions not stated): gnomAD 0.00001.
gnomAD v4.1: 1 of 1,604,970 alleles (0.000062%); highest among the groups gnomAD compares: African/African-American, 0.0013%; no homozygotes.

Submissions (2):

Ambry Genetics
Classification: Uncertain significance for Inborn genetic diseases. Last evaluated: 2024-04-15. Review status: criteria provided, single submitter. Criteria: Ambry Variant Classification Scheme 2023. Collection method: clinical testing. Allele origin: germline.

Labcorp Genetics (formerly Invitae), Labcorp
Classification: Uncertain significance for D-2-hydroxyglutaric aciduria 1. Last evaluated: 2022-06-05. Review status: criteria provided, single submitter. Criteria: Invitae Variant Classification Sherloc (09022015). Collection method: clinical testing. Allele origin: germline.
Comment: This variant is not present in population databases (gnomAD no frequency). This sequence change replaces arginine, which is basic and polar, with glutamine, which is neutral and polar, at codon 97 of the D2HGDH protein (p.Arg97Gln). This variant has not been reported in the literature in individuals affected with D2HGDH-related conditions. ClinVar contains an entry for this variant (Variation ID: 1359059). Algorithms developed to predict the effect of missense changes on protein structure and function are either unavailable or do not agree on the potential impact of this missense change (SIFT: "Deleterious"; PolyPhen-2: "Benign"; Align-GVGD: "Class C0"). In summary, the available evidence is currently insufficient to determine the role of this variant in disease. Therefore, it has been classified as a Variant of Uncertain Significance.